The following is an entry in ClinVar:

ClinVar aggregate classification (germline): Uncertain significance. Review status: criteria provided, multiple submitters, no conflicts (2 of 4 stars). 2 submissions from 2 submitters: Uncertain significance (2). Last evaluated 2023-11-01.

Conditions:
DICER1-related tumor predisposition. Also called: DICER1 syndrome; DICER1-related pleuropulmonary blastoma cancer predisposition syndrome. Identifiers: Orphanet 284343, MedGen C3839822, MONDO:0100216.
Hereditary cancer-predisposing syndrome. Also called: Hereditary neoplastic syndrome; Neoplastic Syndromes, Hereditary; Hereditary Cancer Syndrome; Tumor predisposition. Identifiers: Orphanet 140162, MedGen C0027672, MeSH D009386, MONDO:0015356.

Allele frequency attached by ClinVar (database versions not stated): gnomAD exomes below 0.00001; TOPMed below 0.00001; gnomAD 0.00001.
gnomAD v4.1: 3 of 1,613,932 alleles (0.00019%); highest among the groups gnomAD compares: African/African-American, 0.0027%; no homozygotes.

Submissions (2):

Ambry Genetics
Classification: Uncertain significance for Hereditary cancer-predisposing syndrome. Last evaluated: 2023-11-01. Review status: criteria provided, single submitter. Criteria: Ambry Variant Classification Scheme 2023. Collection method: clinical testing. Allele origin: germline.
Comment: The p.P963L variant (also known as c.2888C>T), located in coding exon 17 of the DICER1 gene, results from a C to T substitution at nucleotide position 2888. The proline at codon 963 is replaced by leucine, an amino acid with similar properties. This amino acid position is conserved. In addition, the in silico prediction for this alteration is inconclusive. Since supporting evidence is limited at this time, the clinical significance of this alteration remains unclear.

Labcorp Genetics (formerly Invitae), Labcorp
Classification: Uncertain significance for DICER1-related tumor predisposition. Last evaluated: 2022-11-09. Review status: criteria provided, single submitter. Criteria: Invitae Variant Classification Sherloc (09022015). Collection method: clinical testing. Allele origin: germline.
Comment: This variant has not been reported in the literature in individuals affected with DICER1-related conditions. This sequence change replaces proline, which is neutral and non-polar, with leucine, which is neutral and non-polar, at codon 963 of the DICER1 protein (p.Pro963Leu). This variant is not present in population databases (gnomAD no frequency). ClinVar contains an entry for this variant (Variation ID: 570682). Advanced modeling of protein sequence and biophysical properties (such as structural, functional, and spatial information, amino acid conservation, physicochemical variation, residue mobility, and thermodynamic stability) performed at Invitae indicates that this missense variant is not expected to disrupt DICER1 protein function. In summary, the available evidence is currently insufficient to determine the role of this variant in disease. Therefore, it has been classified as a Variant of Uncertain Significance.

NM_177438.3(DICER1):c.2888C>T (p.Pro963Leu)

Gene: DICER1 (dicer 1, ribonuclease III; minus strand). Cytogenetic location: 14q32.13.
Variant type: single nucleotide variant.
Coding change: c.2888C>T on transcript NM_177438.3 (MANE Select); coding-DNA position 2888, C replaced by T.
Protein change: p.Pro963Leu; replaces proline 963 with leucine.
Molecular consequence: missense variant.
Genome position (GRCh38, 1-based): chr14:95,106,140, G>A on the plus strand (C>T on the coding strand, the complement: DICER1 is on the minus strand). VCF-style: chr14-95106140-G-A. GRCh37 (hg19) VCF-style: chr14-95572477-G-A.
Other names: c.2888C>T, p.Pro963Leu (NM_001195573.1, NM_001271282.3, NM_001291628.2 and 1 more transcripts); short protein forms P963L.
Identifiers: ClinVar variation 570682 (VCV000570682.14), dbSNP rs917082902, ClinGen allele CA265907843.
Genomic context (GRCh38, chr14:95,106,140, plus strand): 5'-AGATTGGTTAGGTCAAGGTTGTACTTTGTTTTATAATATTCTGCAAAAGTTTCATACTCA[G>A]GGGAAGGAAATTTACTGAGTGGGGTAAGATCAGTGTACACATCAGCTACATAAAATCGAT-3'
Protein context (NP_803187.1, residues 953-973): DLTPLSKFPS[Pro963Leu]EYETFAEYYK